The following is an entry in ClinVar:

ClinVar aggregate classification (germline): Uncertain significance (1 of 4 stars; one submission).

Conditions:
Epileptic encephalopathy. Identifiers: MedGen C0543888, HP:0200134.

Submission:

Labcorp Genetics (formerly Invitae), Labcorp
Classification: Uncertain significance for Epileptic encephalopathy. Last evaluated: 2025-10-02. Review status: criteria provided, single submitter. Criteria: Invitae Variant Classification Sherloc (09022015). Collection method: clinical testing. Allele origin: germline.
Comment: This sequence change replaces glycine, which is neutral and non-polar, with glutamic acid, which is acidic and polar, at codon 700 of the GABBR2 protein (p.Gly700Glu). This variant is not present in population databases (gnomAD no frequency). This variant has not been reported in the literature in individuals affected with GABBR2-related conditions. ClinVar contains an entry for this variant (Variation ID: 2700193). Invitae Evidence Modeling of protein sequence and biophysical properties (such as structural, functional, and spatial information, amino acid conservation, physicochemical variation, residue mobility, and thermodynamic stability) indicates that this missense variant is expected to disrupt GABBR2 protein function with a positive predictive value of 80%. In summary, the available evidence is currently insufficient to determine the role of this variant in disease. Therefore, it has been classified as a Variant of Uncertain Significance.

NM_005458.8(GABBR2):c.2099G>A (p.Gly700Glu)

Gene: GABBR2 (gamma-aminobutyric acid type B receptor subunit 2; minus strand). Cytogenetic location: 9q22.33.
Variant type: single nucleotide variant.
Coding change: c.2099G>A on transcript NM_005458.8 (MANE Select); coding-DNA position 2099, G replaced by A.
Protein change: p.Gly700Glu; replaces glycine 700 with glutamic acid.
Molecular consequence: missense variant.
Genome position (GRCh38, 1-based): chr9:98,306,251, C>T on the plus strand (G>A on the coding strand, the complement: GABBR2 is on the minus strand). VCF-style: chr9-98306251-C-T. GRCh37 (hg19) VCF-style: chr9-101068533-C-T.
Other names: short protein forms G700E.
Identifiers: ClinVar variation 2700193 (VCV002700193.3), dbSNP rs2491207780, ClinGen allele CA374199752.